The following is an entry in ClinVar:

NM_000153.4(GALC):c.1291G>T (p.Gly431Ter)

Gene: GALC (galactosylceramidase; minus strand). Cytogenetic location: 14q31.3.
Variant type: single nucleotide variant.
Coding change: c.1291G>T on transcript NM_000153.4 (MANE Select); coding-DNA position 1291, G replaced by T.
Protein change: p.Gly431Ter; replaces glycine 431 with a stop codon.
Molecular consequence: nonsense.
Genome position (GRCh38, 1-based): chr14:87,949,892, C>A on the plus strand (G>T on the coding strand, the complement: GALC is on the minus strand). VCF-style: chr14-87949892-C-A. GRCh37 (hg19) VCF-style: chr14-88416236-C-A.
Other names: c.1222G>T, p.Gly408Ter (NM_001201401.2); c.1213G>T, p.Gly405Ter (NM_001201402.2); short protein forms G405*, G431*, G408*.
Identifiers: ClinVar variation 1413114 (VCV001413114.6), dbSNP rs2139961576, ClinGen allele CA390746797.

ClinVar aggregate classification (germline): Pathogenic (1 of 4 stars; one submission).

Conditions:
Galactosylceramide beta-galactosidase deficiency. Also called: Krabbe Disease; Leukodystrophy, Globoid Cell; GALACTOCEREBROSIDASE DEFICIENCY; GALC DEFICIENCY; GLOBOID CELL LEUKOENCEPHALOPATHY. Identifiers: Orphanet 487, MedGen C0023521, MONDO:0009499, OMIM 245200.

Submission:

Labcorp Genetics (formerly Invitae), Labcorp
Classification: Pathogenic for Galactosylceramide beta-galactosidase deficiency. Last evaluated: 2021-09-25. Review status: criteria provided, single submitter. Criteria: Invitae Variant Classification Sherloc (09022015). Collection method: clinical testing. Allele origin: germline.
Comment: This variant has not been reported in the literature in individuals affected with GALC-related conditions. For these reasons, this variant has been classified as Pathogenic. This variant is not present in population databases (ExAC no frequency). This sequence change creates a premature translational stop signal (p.Gly431*) in the GALC gene. It is expected to result in an absent or disrupted protein product. Loss-of-function variants in GALC are known to be pathogenic (PMID: 7437911, 9272171, 16607461).

Literature cited by the submitters: PubMed 7437911; PubMed 9272171; PubMed 16607461.